The following is an entry in ClinVar:

ClinVar aggregate classification (germline): Uncertain significance (1 of 4 stars; one submission).

Submission:

Dasa
Classification: Uncertain significance. Last evaluated: 2026-03-04. Review status: criteria provided, single submitter. Criteria: DASA Assertion Criteria. Collection method: clinical testing. Allele origin: germline.
Comment: NM_139319.3(SLC17A8):c.455A>G (p.Asn152Ser) is a missense variant that results in the substitution of asparagine with serine. This variant is rare in population databases. Computational prediction algorithms are consistent with a benign effect. The currently available literature and clinical evidence are not sufficient to establish a definitive association between this variant and the reported condition. Therefore, this variant is classified as a variant of uncertain significance.

NM_139319.3(SLC17A8):c.455A>G (p.Asn152Ser)

Gene: SLC17A8 (solute carrier family 17 member 8; plus strand). Cytogenetic location: 12q23.1.
Variant type: single nucleotide variant.
Coding change: c.455A>G on transcript NM_139319.3 (MANE Select); coding-DNA position 455, A replaced by G.
Protein change: p.Asn152Ser; replaces asparagine 152 with serine.
Molecular consequence: missense variant.
Genome position (GRCh38, 1-based): chr12:100,391,101, A>G. VCF-style: chr12-100391101-A-G. GRCh37 (hg19) VCF-style: chr12-100784879-A-G.
Other names: c.455A>G, p.Asn152Ser (NM_001145288.2); short protein forms N152S.
Identifiers: ClinVar variation 4882734 (VCV004882734.2).